The following is an entry in ClinVar:

NM_004481.5(GALNT2):c.356C>T (p.Pro119Leu)

Gene: GALNT2 (polypeptide N-acetylgalactosaminyltransferase 2; plus strand). Cytogenetic location: 1q42.13.
Variant type: single nucleotide variant.
Coding change: c.356C>T on transcript NM_004481.5 (MANE Select); coding-DNA position 356, C replaced by T.
Protein change: p.Pro119Leu; replaces proline 119 with leucine.
Molecular consequence: missense variant.
Genome position (GRCh38, 1-based): chr1:230,203,272, C>T. VCF-style: chr1-230203272-C-T. GRCh37 (hg19) VCF-style: chr1-230339018-C-T.
Other names: c.242C>T, p.Pro81Leu (NM_001291866.2); short protein forms P81L, P119L.
Identifiers: ClinVar variation 4692115 (VCV004692115.1).

ClinVar aggregate classification (germline): Uncertain significance (1 of 4 stars; one submission).

gnomAD v4.1: 19 of 1,614,114 alleles (0.0012%); highest among the groups gnomAD compares: Non-Finnish European, 0.0016%; no homozygotes.

Submission:

Labcorp Genetics (formerly Invitae), Labcorp
Classification: Uncertain significance. Last evaluated: 2026-01-26. Review status: criteria provided, single submitter. Criteria: Invitae Variant Classification Sherloc (09022015). Collection method: clinical testing. Allele origin: germline.
Comment: This sequence change replaces proline, which is neutral and non-polar, with leucine, which is neutral and non-polar, at codon 119 of the GALNT2 protein (p.Pro119Leu). This variant is not present in population databases (gnomAD no frequency). This variant has not been reported in the literature in individuals affected with GALNT2-related conditions. Invitae Evidence Modeling of protein sequence and biophysical properties (such as structural, functional, and spatial information, amino acid conservation, physicochemical variation, residue mobility, and thermodynamic stability) indicates that this missense variant is not expected to disrupt GALNT2 protein function with a negative predictive value of 80%. In summary, the available evidence is currently insufficient to determine the role of this variant in disease. Therefore, it has been classified as a Variant of Uncertain Significance.